The following is an entry in ClinVar:

NM_000264.5(PTCH1):c.835G>T (p.Glu279Ter)

Gene: PTCH1 (patched 1; minus strand). Cytogenetic location: 9q22.32.
Variant type: single nucleotide variant.
Coding change: c.835G>T on transcript NM_000264.5 (MANE Select); coding-DNA position 835, G replaced by T.
Protein change: p.Glu279Ter; replaces glutamic acid 279 with a stop codon.
Molecular consequence: nonsense. On other transcripts: non-coding transcript variant (1).
Genome position (GRCh38, 1-based): chr9:95,480,500, C>A on the plus strand (G>T on the coding strand, the complement: PTCH1 is on the minus strand). VCF-style: chr9-95480500-C-A. GRCh37 (hg19) VCF-style: chr9-98242782-C-A.
Other names: c.637G>T, p.Glu213Ter (NM_001083602.3); c.832G>T, p.Glu278Ter (NM_001083603.3); c.382G>T, p.Glu128Ter (NM_001083604.3, NM_001083605.3, NM_001083606.3 and 1 more transcripts); c.835G>T, p.Glu279Ter (NM_001354918.2); short protein forms E128*, E213*, E278*, E279*.
Identifiers: ClinVar variation 4530230 (VCV004530230.1).
Genomic context (GRCh38, chr9:95,480,500, plus strand): 5'-GATTGAGGCAGGGGCGGTCCATGTAACCATGACCAACCTCAGCCTTATTCAGCATTTCCT[C>A]CCAGCTGTCCACTTGATAGTTTATTTTCTTTAACTCTTCCAGGAATTCCAAAGGGTCGAA-3'

ClinVar aggregate classification (somatic clinical impact): Tier II - Potential (1 of 4 stars; one submission).

Conditions:
Embryonal rhabdomyosarcoma (ERMS). Also called: Botryoid rhabdomyosarcoma (type of ERMS); Spindle cell rhabdomyosarcomas (type of ERMS). Identifiers: Orphanet 99757, MedGen C0206656, MONDO:0009993, HP:0006743.

Submission:

Institute for Genomic Medicine (IGM) Clinical Laboratory, Nationwide Children's Hospital
Classification: Tier II - Potential for Embryonal rhabdomyosarcoma. Assertion type: diagnostic. Clinical significance: supports diagnosis. Last evaluated: 2024-11-08. Review status: criteria provided, single submitter. Criteria: AMP/ASCO/CAP Guidelines, 2017. Collection method: clinical testing. Allele origin: somatic. Affected: yes.
Comment: Variant has Tier II (potential) clinical significance as a diagnostic inclusion criterion in embryonal rhabdomyosarcoma, based on the following evidence: 1) Documented in one or more cancer databases (e.g., St. Jude Pecan, COSMIC, CIViC, OncoKB). 2) Information in the literature supports potential biologic effect of variant (PMIDs: 8782823, 24840883, 12170781). 3) Assists in diagnosis alone or along with other biomarkers based on small studies or few case reports (Evidence Level D; PMIDs: 16294371, 29461635).

Literature cited by the submitters: PubMed 8782823; PubMed 24840883; PubMed 12170781; PubMed 16294371; PubMed 29461635.